The following is an entry in ClinVar:

ClinVar aggregate classification (germline): Uncertain significance. Review status: criteria provided, multiple submitters, no conflicts (2 of 4 stars). 2 submissions from 2 submitters: Uncertain significance (2). Last evaluated 2026-07-06.

Conditions:
Oligodontia-cancer predisposition syndrome. Also called: TOOTH AGENESIS-COLORECTAL CANCER SYNDROME. Identifiers: Orphanet 300576, MedGen C1837750, MONDO:0012075, OMIM 608615. Disease mechanism: loss of function.
Hereditary cancer-predisposing syndrome. Also called: Hereditary Cancer Syndrome; Hereditary neoplastic syndrome; Neoplastic Syndromes, Hereditary; Tumor predisposition. Identifiers: Orphanet 140162, MedGen C0027672, MeSH D009386, MONDO:0015356.

Submissions (2):

Ambry Genetics
Classification: Uncertain significance for Hereditary cancer-predisposing syndrome. Last evaluated: 2026-07-06. Review status: criteria provided, single submitter. Criteria: Ambry Variant Classification Scheme 2023. Collection method: clinical testing. Allele origin: germline.
Comment: The p.G87S variant (also known as c.259G>A), located in coding exon 1 of the AXIN2 gene, results from a G to A substitution at nucleotide position 259. The glycine at codon 87 is replaced by serine, an amino acid with similar properties. This amino acid position is conserved. In addition, this alteration is predicted to be tolerated by in silico analysis. Based on the available evidence, the clinical significance of this variant remains unclear.

Labcorp Genetics (formerly Invitae), Labcorp
Classification: Uncertain significance for Oligodontia-cancer predisposition syndrome. Last evaluated: 2023-03-07. Review status: criteria provided, single submitter. Criteria: Invitae Variant Classification Sherloc (09022015). Collection method: clinical testing. Allele origin: germline.
Comment: In summary, the available evidence is currently insufficient to determine the role of this variant in disease. Therefore, it has been classified as a Variant of Uncertain Significance. Advanced modeling of protein sequence and biophysical properties (such as structural, functional, and spatial information, amino acid conservation, physicochemical variation, residue mobility, and thermodynamic stability) performed at Invitae indicates that this missense variant is not expected to disrupt AXIN2 protein function. This variant has not been reported in the literature in individuals affected with AXIN2-related conditions. This variant is not present in population databases (gnomAD no frequency). This sequence change replaces glycine, which is neutral and non-polar, with serine, which is neutral and polar, at codon 87 of the AXIN2 protein (p.Gly87Ser).

NM_004655.4(AXIN2):c.259G>A (p.Gly87Ser)

Gene: AXIN2 (axin 2; minus strand). Cytogenetic location: 17q24.1.
Variant type: single nucleotide variant.
Coding change: c.259G>A on transcript NM_004655.4 (MANE Select); coding-DNA position 259, G replaced by A.
Protein change: p.Gly87Ser; replaces glycine 87 with serine.
Molecular consequence: missense variant.
Genome position (GRCh38, 1-based): chr17:65,558,362, C>T on the plus strand (G>A on the coding strand, the complement: AXIN2 is on the minus strand). VCF-style: chr17-65558362-C-T. GRCh37 (hg19) VCF-style: chr17-63554480-C-T.
Other names: c.259G>A, p.Gly87Ser (NM_001363813.1); short protein forms G87S.
Identifiers: ClinVar variation 2843334 (VCV002843334.4), dbSNP rs2144589032, ClinGen allele CA400681795.